The following is an entry in ClinVar:

NM_000726.5(CACNB4):c.1309C>T (p.Arg437Ter)

Gene: CACNB4 (calcium voltage-gated channel auxiliary subunit beta 4; minus strand). Cytogenetic location: 2q23.3.
Variant type: single nucleotide variant.
Coding change: c.1309C>T on transcript NM_000726.5 (MANE Select); coding-DNA position 1309, C replaced by T.
Protein change: p.Arg437Ter; replaces arginine 437 with a stop codon.
Molecular consequence: nonsense.
Genome position (GRCh38, 1-based): chr2:151,839,373, G>A on the plus strand (C>T on the coding strand, the complement: CACNB4 is on the minus strand). VCF-style: chr2-151839373-G-A. GRCh37 (hg19) VCF-style: chr2-152695887-G-A.
Other names: c.1255C>T, p.Arg419Ter (NM_001005746.4); c.1207C>T, p.Arg403Ter (NM_001005747.4); c.1123C>T, p.Arg375Ter (NM_001145798.3); c.1168C>T, p.Arg390Ter (NM_001320722.3, NM_001330118.2); c.1066C>T, p.Arg356Ter (NM_001330113.2); c.655C>T, p.Arg219Ter (NM_001330114.2); c.1018C>T, p.Arg340Ter (NM_001330115.2); c.979C>T, p.Arg327Ter (NM_001330116.2); and 1 more; short protein forms R327*, R356*, R340*, R390*, R419*, R219*, R251*, R375*.
Identifiers: ClinVar variation 845245 (VCV000845245.8), dbSNP rs529888359, ClinGen allele CA1912360.

ClinVar aggregate classification (germline): Uncertain significance. Review status: criteria provided, multiple submitters, no conflicts (2 of 4 stars). 2 submissions from 2 submitters: Uncertain significance (2). Last evaluated 2025-10-01.

Conditions:
Idiopathic generalized epilepsy. Also called: EIG; Generalised epilepsy. Identifiers: MedGen C0270850, MONDO:0005579, OMIM 600669.

Allele frequency attached by ClinVar (database versions not stated): TOPMed 0.00001.
gnomAD v4.1: 18 of 1,604,726 alleles (0.0011%); highest among the groups gnomAD compares: Non-Finnish European, 0.0015%; no homozygotes.

Submissions (2):

Athena Diagnostics
Classification: Uncertain significance. Last evaluated: 2025-10-01. Review status: criteria provided, single submitter. Criteria: Athena Diagnostics Criteria. Collection method: clinical testing. Allele origin: unknown.
Comment: Available data are insufficient to determine the clinical significance of the variant at this time. The frequency of this variant in the general population is uninformative in assessment of its pathogenicity. This variant is not expected to cause loss of protein expression through nonsense-mediated decay. However, it may still disrupt protein function.

Labcorp Genetics (formerly Invitae), Labcorp
Classification: Uncertain significance for Idiopathic generalized epilepsy. Last evaluated: 2024-01-17. Review status: criteria provided, single submitter. Criteria: Invitae Variant Classification Sherloc (09022015). Collection method: clinical testing. Allele origin: germline.
Comment: This sequence change creates a premature translational stop signal (p.Arg437*) in the CACNB4 gene. While this is not anticipated to result in nonsense mediated decay, it is expected to disrupt the last 84 amino acid(s) of the CACNB4 protein. This variant is present in population databases (rs529888359, gnomAD 0.003%). This variant has not been reported in the literature in individuals affected with CACNB4-related conditions. ClinVar contains an entry for this variant (Variation ID: 845245). Experimental studies and prediction algorithms are not available or were not evaluated, and the functional significance of this variant is currently unknown. Algorithms developed to predict the effect of sequence changes on RNA splicing suggest that this variant may disrupt the consensus splice site. In summary, the available evidence is currently insufficient to determine the role of this variant in disease. Therefore, it has been classified as a Variant of Uncertain Significance.

Literature cited by the submitters: PubMed 38001974 (cited by Athena Diagnostics).